The following is an entry in ClinVar:

ClinVar aggregate classification (germline): Uncertain significance (1 of 4 stars; one submission).

Conditions:
Joubert syndrome 23 (JBTS23). Identifiers: Orphanet 475, MedGen C4084822, MONDO:0014664, OMIM 616490.
Short-rib thoracic dysplasia 14 with polydactyly (SRTD14). Identifiers: Orphanet 397715, MedGen C4225286, MONDO:0014688, OMIM 616546.

Allele frequency attached by ClinVar (database versions not stated): gnomAD exomes below 0.00001.
gnomAD v4.1: 4 of 1,613,706 alleles (0.00025%); highest among the groups gnomAD compares: Non-Finnish European, 0.00025%; no homozygotes.

Submission:

Labcorp Genetics (formerly Invitae), Labcorp
Classification: Uncertain significance for Joubert syndrome 23; Short-rib thoracic dysplasia 14 with polydactyly. Last evaluated: 2022-07-20. Review status: criteria provided, single submitter. Criteria: Invitae Variant Classification Sherloc (09022015). Collection method: clinical testing. Allele origin: germline.
Comment: In summary, the available evidence is currently insufficient to determine the role of this variant in disease. Therefore, it has been classified as a Variant of Uncertain Significance. Algorithms developed to predict the effect of missense changes on protein structure and function are either unavailable or do not agree on the potential impact of this missense change (SIFT: "Deleterious"; PolyPhen-2: "Benign"; Align-GVGD: "Class C0"). This variant has not been reported in the literature in individuals affected with KIAA0586-related conditions. This variant is not present in population databases (gnomAD no frequency). This sequence change replaces serine, which is neutral and polar, with proline, which is neutral and non-polar, at codon 1614 of the KIAA0586 protein (p.Ser1614Pro).

NM_001329943.3(KIAA0586):c.4596T>C (p.Ser1532=)

Gene: KIAA0586 (KIAA0586; plus strand). Cytogenetic location: 14q23.1.
Variant type: single nucleotide variant.
Coding change: c.4596T>C on transcript NM_001329943.3 (MANE Select); coding-DNA position 4596, T replaced by C.
Protein change: p.Ser1532=; no amino-acid change (serine 1532 retained).
Molecular consequence: synonymous variant. On other transcripts: missense variant (2).
Genome position (GRCh38, 1-based): chr14:58,547,881, T>C. VCF-style: chr14-58547881-T-C. GRCh37 (hg19) VCF-style: chr14-59014599-T-C.
Other names: c.4840T>C, p.Ser1614Pro (NM_001244189.2); c.4551T>C, p.Ser1517= (NM_001244190.2); c.4341T>C, p.Ser1447= (NM_001244191.2, NM_001364701.2); c.4464T>C, p.Ser1488= (NM_001244192.2, NM_001329947.2); c.4681T>C, p.Ser1561Pro (NM_001329944.2); c.4275T>C, p.Ser1425= (NM_001329945.2); c.4530T>C, p.Ser1510= (NM_001329946.2); c.4368T>C, p.Ser1456= (NM_014749.5); short protein forms S1561P, S1614P.
Identifiers: ClinVar variation 1720480 (VCV001720480.6), dbSNP rs2544644635, ClinGen allele CA390059493.